The following is an entry in ClinVar:

ClinVar aggregate classification (germline): Likely benign (1 of 4 stars; one submission).

Allele frequency attached by ClinVar (database versions not stated): ESP Exome Variant Server 0.00043; gnomAD 0.00050; TOPMed 0.00059; ExAC 0.00074; 1000 Genomes Project 0.00100; 1000 Genomes Project 30x 0.00109.

Submission:

CeGaT Center for Human Genetics Tuebingen
Classification: Likely benign. Last evaluated: 2022-10-01. Review status: criteria provided, single submitter. Criteria: CeGaT Center For Human Genetics Tuebingen Variant Classification Criteria Version 2. Collection method: clinical testing. Allele origin: germline. Affected: yes. Observed: 1 variant allele.
Comment: MUC2: BP4, BP7

NM_002457.5(MUC2):c.846C>T (p.Pro282=)

Gene: MUC2 (mucin 2, oligomeric mucus/gel-forming; plus strand). Cytogenetic location: 11p15.5.
Variant type: single nucleotide variant.
Coding change: c.846C>T on transcript NM_002457.5 (MANE Select); coding-DNA position 846, C replaced by T.
Protein change: p.Pro282=; no amino-acid change (proline 282 retained).
Molecular consequence: synonymous variant.
Genome position (GRCh38, 1-based): chr11:1,078,494, C>T. VCF-style: chr11-1078494-C-T. GRCh37 (hg19) VCF-style: chr11-1078638-C-T.
Identifiers: ClinVar variation 2641118 (VCV002641118.24), dbSNP rs370849615, ClinGen allele CA5798280.